The following is an entry in ClinVar:

ClinVar aggregate classification (germline): Uncertain significance. Review status: criteria provided, multiple submitters, no conflicts (2 of 4 stars). 2 submissions from 2 submitters: Uncertain significance (2). Last evaluated 2026-05-01.

Conditions:
2-aminoadipic 2-oxoadipic aciduria (AAKAD). Also called: ALPHA-AMINOADIPIC AND ALPHA-KETOADIPIC ACIDURIA; Aminoadipic aciduria. Identifiers: Orphanet 79154, MedGen C1859817, MONDO:0008774, OMIM 204750.

Allele frequency attached by ClinVar (database versions not stated): gnomAD exomes 0.00004 and 0.00010; TOPMed 0.00061; gnomAD 0.00056 and 0.00052; ESP Exome Variant Server 0.00108; ExAC 0.00015; 1000 Genomes Project 0.00020; 1000 Genomes Project 30x 0.00062.
gnomAD v4.1: 133 of 1,614,128 alleles (0.0082%); highest among the groups gnomAD compares: African/African-American, 0.17%; no homozygotes.

Submissions (2):

Women's Health and Genetics/Laboratory Corporation of America, LabCorp
Classification: Uncertain significance. Last evaluated: 2026-05-01. Review status: criteria provided, single submitter. Criteria: LabCorp Variant Classification Summary - May 2015. Collection method: clinical testing. Allele origin: germline.
Comment: Variant summary: DHTKD1 c.1300G>A (p.Gly434Ser) results in a non-conservative amino acid change in the encoded protein sequence. Algorithms developed to predict the effect of missense changes on protein structure and function all suggest that this variant is likely to be disruptive. The variant allele was found at a frequency of 0.0001 in 251488 control chromosomes. This frequency is not significantly higher than estimated for disease-causing variants in DHTKD1, allowing no conclusion about variant significance. To our knowledge, no occurrence of c.1300G>A in individuals affected with DHTKD1-related conditions and no experimental evidence demonstrating its impact on protein function have been reported. ClinVar contains an entry for this variant (Variation ID: 1350511). Based on the evidence outlined above, the variant was classified as uncertain significance.

Labcorp Genetics (formerly Invitae), Labcorp
Classification: Uncertain significance for 2-aminoadipic 2-oxoadipic aciduria. Last evaluated: 2025-07-17. Review status: criteria provided, single submitter. Criteria: Invitae Variant Classification Sherloc (09022015). Collection method: clinical testing. Allele origin: germline.
Comment: This sequence change replaces glycine, which is neutral and non-polar, with serine, which is neutral and polar, at codon 434 of the DHTKD1 protein (p.Gly434Ser). This variant is present in population databases (rs145036232, gnomAD 0.2%). This variant has not been reported in the literature in individuals affected with DHTKD1-related conditions. ClinVar contains an entry for this variant (Variation ID: 1350511). Invitae Evidence Modeling of protein sequence and biophysical properties (such as structural, functional, and spatial information, amino acid conservation, physicochemical variation, residue mobility, and thermodynamic stability) indicates that this missense variant is expected to disrupt DHTKD1 protein function with a positive predictive value of 80%. In summary, the available evidence is currently insufficient to determine the role of this variant in disease. Therefore, it has been classified as a Variant of Uncertain Significance.

NM_018706.7(DHTKD1):c.1300G>A (p.Gly434Ser)

Gene: DHTKD1 (dehydrogenase E1 and transketolase domain containing 1; plus strand). Cytogenetic location: 10p14.
Variant type: single nucleotide variant.
Coding change: c.1300G>A on transcript NM_018706.7 (MANE Select); coding-DNA position 1300, G replaced by A.
Protein change: p.Gly434Ser; replaces glycine 434 with serine.
Molecular consequence: missense variant.
Genome position (GRCh38, 1-based): chr10:12,094,213, G>A. VCF-style: chr10-12094213-G-A. GRCh37 (hg19) VCF-style: chr10-12136212-G-A.
Other names: short protein forms G434S.
Identifiers: ClinVar variation 1350511 (VCV001350511.9), dbSNP rs145036232, ClinGen allele CA5407804.